The following is an entry in ClinVar:

NM_198253.3(TERT):c.1765A>T (p.Ile589Phe)

Gene: TERT (telomerase reverse transcriptase; minus strand). Cytogenetic location: 5p15.33.
Variant type: single nucleotide variant.
Coding change: c.1765A>T on transcript NM_198253.3 (MANE Select); coding-DNA position 1765, A replaced by T.
Protein change: p.Ile589Phe; replaces isoleucine 589 with phenylalanine.
Molecular consequence: missense variant. On other transcripts: non-coding transcript variant (2).
Genome position (GRCh38, 1-based): chr5:1,282,433, T>A on the plus strand (A>T on the coding strand, the complement: TERT is on the minus strand). VCF-style: chr5-1282433-T-A. GRCh37 (hg19) VCF-style: chr5-1282548-T-A.
Other names: c.1765A>T, p.Ile589Phe (NM_001193376.3); short protein forms I589F.
Identifiers: ClinVar variation 4182810 (VCV004182810.1).

ClinVar aggregate classification (germline): Uncertain significance (1 of 4 stars; one submission).

Conditions:
Dyskeratosis congenita. Identifiers: Orphanet 1775, MedGen C0265965, MONDO:0015780.

Submission:

Ambry Genetics
Classification: Uncertain significance for Dyskeratosis congenita. Last evaluated: 2025-08-20. Review status: criteria provided, single submitter. Criteria: Ambry Variant Classification Scheme 2023. Collection method: clinical testing. Allele origin: germline.
Comment: The p.I589F variant (also known as c.1765A>T), located in coding exon 3 of the TERT gene, results from an A to T substitution at nucleotide position 1765. The isoleucine at codon 589 is replaced by phenylalanine, an amino acid with highly similar properties. This amino acid position is conserved. In addition, this alteration is predicted to be tolerated by in silico analysis. Based on the available evidence, the clinical significance of this variant remains unclear.